The following is an entry in ClinVar:

ClinVar aggregate classification (germline): Benign (1 of 4 stars; one submission).

Conditions:
Maturity-onset diabetes of the young (MODY). Also called: Maturity onset diabetes mellitus in young. Identifiers: Orphanet 552, MedGen C0342276, MONDO:0018911, HP:0004904.

Allele frequency attached by ClinVar (database versions not stated): gnomAD 0.00001; 1000 Genomes Project 30x 0.00016; 1000 Genomes Project 0.00020.
gnomAD v4.1: 1 of 1,610,912 alleles (0.000062%); highest among the groups gnomAD compares: East Asian, 0.0022%; no homozygotes.

Submission:

Clinical Genomics, Uppaluri K&H Personalized Medicine Clinic
Classification: Benign for Maturity-onset diabetes of the young. Review status: criteria provided, single submitter. Criteria: K & H Uppaluri Personalized Medicine Clinic Variant Classification & Assertion Criteria_Updated V.1. Collection method: research. Allele origin: unknown. Inheritance: Autosomal dominant inheritance.
Comment: Mutations in HNF1A gene can predispose to MODY3. It is associated with both micro and macrovascular complications of diabetes, especially cardiovascular complications. Associated with glucosuria. May respond well to sulfonylureas. However, more evidence is required to confer the association of this particular variant rs138145827 with MODY3.

Literature cited by the submitters: PubMed 31517624; PubMed 32395877; PubMed 35328643; PubMed 35673428.

NM_000545.8(HNF1A):c.1494C>T (p.Ser498=)

Gene: HNF1A (HNF1 homeobox A; plus strand). Cytogenetic location: 12q24.31.
Variant type: single nucleotide variant.
Coding change: c.1494C>T on transcript NM_000545.8 (MANE Select); coding-DNA position 1494, C replaced by T.
Protein change: p.Ser498=; no amino-acid change (serine 498 retained).
Molecular consequence: synonymous variant. On other transcripts: intron variant (1).
Genome position (GRCh38, 1-based): chr12:120,997,658, C>T. VCF-style: chr12-120997658-C-T. GRCh37 (hg19) VCF-style: chr12-121435461-C-T.
Other names: c.1494C>T, p.Ser498= (NM_001306179.2); c.1309+916C>T (NM_001406915.1).
Identifiers: ClinVar variation 1727233 (VCV001727233.1), dbSNP rs138145827, ClinGen allele CA6832055.